The following is an entry in ClinVar:

NC_000002.12:g.38012214_38131522del

Genes: CYP1B1 (cytochrome P450 family 1 subfamily B member 1; minus strand), CYP1B1-AS1 (CYP1B1 antisense RNA 1; plus strand), RMDN2 (regulator of microtubule dynamics 2; plus strand), RMDN2-AS1 (RMDN2 antisense RNA 1; minus strand), LOC110599580 (CYP1B1 promoter; plus strand) and 2 more. Cytogenetic location: 2p22.2.
Variant type: Deletion.
Identifiers: ClinVar variation 3777763 (VCV003777763.2).

ClinVar aggregate classification (germline): Pathogenic. Review status: reviewed by expert panel (3 of 4 stars). 2 submissions from 2 submitters: Pathogenic (1). 1 of the submissions does not count toward it. Last evaluated 2025-11-19.

Conditions:
CYP1B1-related glaucoma with or without anterior segment dysgenesis. Identifiers: MedGen CN375931, MONDO:0800472.
Glaucoma 3A. Also called: Glaucoma 3, primary congenital, A. Identifiers: Orphanet 98976, Orphanet 98977, MedGen C1856439, MONDO:0009277, OMIM 231300.

Submissions (2):

ClinGen Glaucoma Variant Curation Expert Panel
Classification: Pathogenic for CYP1B1-related glaucoma with or without anterior segment dysgenesis. Last evaluated: 2025-11-19. Review status: reviewed by expert panel. Criteria: ClinGen CYP1B1 ACMG Specifications V1 Approved. Collection method: curation. Allele origin: germline. Inheritance: Autosomal recessive inheritance.
Comment: The NC_000002.12:g.38012214_38131522del variant is a deletion of the whole CYP1B1 gene, meeting PVS1_SA. This variant was not found in any genetic ancestry group of gnomAD (v4.1.0), meeting the ≤ 0.0005 threshold set for PM2_Supporting in a genetic ancestry group of at least 2,000 alleles. There was no computational or functional evidence predicting a damaging or benign impact of this variant on CYP1B1 function. This variant has been identified in an individual with a CYP1B1-related phenotype. Total proband points = 0.5, meeting PM3_Supporting. In summary, this variant was classified as pathogenic (PVS1_SA is a stand-alone criterion for a pathogenic classification for whole gene deletions) for CYP1B1-related glaucoma with or without anterior segment dysgenesis (ASD) based on the ACMG/AMP criteria met, as specified by the ClinGen Glaucoma VCEP (v1.0, 06.11.2025): PVS1_SA, PM2_Supporting, PM3_Supporting

Genetics and Molecular Pathology, SA Pathology
Classification: Pathogenic for Glaucoma 3A. Review status: criteria provided, single submitter. Criteria: ACMG/ClinGen CNV Guidelines, 2019. Collection method: clinical testing. Allele origin: paternal. Inheritance: Autosomal recessive inheritance. Affected: yes. Observed: 1 variant allele. Not counted in ClinVar's aggregate classification.
Comment: CYP1B1:c.(?_-403)_(*1_?)del is a genomic deletion of CYP1B1 exons 1 through 3, inclusive. Loss of function CYP1B1 variants resulting in haploinsufficiency, such as frame-shift variants, are regarded as clinically important and widely accepted to be pathogenic for PCG (PMID: 16735994, 14635112, 15475877; 9097971, 12036985). CYP1B1:c.(?_-403)_(*1_?)del as a whole gene deletion is therefore expected to be at least as equally damaging (PVS1_Stand Alone; PMID:31690835, 30192042). This variant is reported in the scientific literature (PMID: 31251480) but has not been reported in any other patient or family, nor is it on record (as described) in associated clinical genetics databases for CYP1B1. Homozygous whole CYP1B1 gene deletions have been described previously, including a 146 kb and 193 kb deletion (PMID: 21600657, 23215915), and a 167 kb heterozygous deletion observed in trans with a CYP1B1 frame-shift (PMID:23922489). Although these deletions encompass loss of adjacent genes, the phenotype of each patient is consistent with individuals carrying homozygous or compound heterozygous pathogenic sequence changes within CYP1B1 alone.

Literature cited by the submitters: PubMed 31251480 (cited by Genetics and Molecular Pathology, SA Pathology).